The following is an entry in ClinVar:

ClinVar aggregate classification (germline): Uncertain significance. Review status: criteria provided, multiple submitters, no conflicts (2 of 4 stars). 2 submissions from 2 submitters: Uncertain significance (2). Last evaluated 2025-07-29.

Conditions:
Cardiovascular phenotype. Identifiers: MedGen CN230736.

gnomAD v4.1: 3 of 1,608,504 alleles (0.00019%); highest among the groups gnomAD compares: African/African-American, 0.0027%; no homozygotes.

Submissions (2):

Ambry Genetics
Classification: Uncertain significance for Cardiovascular phenotype. Last evaluated: 2025-07-29. Review status: criteria provided, single submitter. Criteria: Ambry Variant Classification Scheme 2023. Collection method: clinical testing. Allele origin: germline.
Comment: The p.A853V variant (also known as c.2558C>T), located in coding exon 21 of the JAG1 gene, results from a C to T substitution at nucleotide position 2558. The alanine at codon 853 is replaced by valine, an amino acid with similar properties. This amino acid position is conserved. In addition, this alteration is predicted to be tolerated by in silico analysis. Based on the available evidence, the clinical significance of this variant remains unclear.

GeneDx
Classification: Uncertain significance. Last evaluated: 2025-05-05. Review status: criteria provided, single submitter. Criteria: GeneDx Variant Classification Process June 2021. Collection method: clinical testing. Allele origin: germline. Affected: yes.
Comment: Not observed at significant frequency in large population cohorts (gnomAD); In silico analysis suggests that this missense variant does not alter protein structure/function; Has not been previously published as pathogenic or benign to our knowledge

NM_000214.3(JAG1):c.2558C>T (p.Ala853Val)

Gene: JAG1 (jagged canonical Notch ligand 1; minus strand). Cytogenetic location: 20p12.2.
Variant type: single nucleotide variant.
Coding change: c.2558C>T on transcript NM_000214.3 (MANE Select); coding-DNA position 2558, C replaced by T.
Protein change: p.Ala853Val; replaces alanine 853 with valine.
Molecular consequence: missense variant.
Genome position (GRCh38, 1-based): chr20:10,642,502, G>A on the plus strand (C>T on the coding strand, the complement: JAG1 is on the minus strand). VCF-style: chr20-10642502-G-A. GRCh37 (hg19) VCF-style: chr20-10623150-G-A.
Other names: short protein forms A853V.
Identifiers: ClinVar variation 4089133 (VCV004089133.2).